The following is an entry in ClinVar:

NM_025179.4(PLXNA2):c.2098-9T>A

Gene: PLXNA2 (plexin A2; minus strand). Cytogenetic location: 1q32.2.
Variant type: single nucleotide variant.
Coding change: c.2098-9T>A on transcript NM_025179.4 (MANE Select); 9 bases into the intron before coding-DNA position 2098, T replaced by A.
Molecular consequence: intron variant.
Genome position (GRCh38, 1-based): chr1:208,084,589, A>T on the plus strand (T>A on the coding strand, the complement: PLXNA2 is on the minus strand). VCF-style: chr1-208084589-A-T. GRCh37 (hg19) VCF-style: chr1-208257934-A-T.
Identifiers: ClinVar variation 3350555 (VCV003350555.1).

ClinVar aggregate classification (germline): Likely benign (0 of 4 stars; one submission).

Conditions:
PLXNA2-related disorder. Also called: PLXNA2-related condition.

gnomAD v4.1: 5 of 1,612,976 alleles (0.00031%); highest among the groups gnomAD compares: African/African-American, 0.0053%; no homozygotes.

Submission:

PreventionGenetics, part of Exact Sciences
Classification: Likely benign for PLXNA2-related condition. Last evaluated: 2024-09-13. Review status: no assertion criteria provided. Collection method: clinical testing. Allele origin: germline.
Comment: This variant is classified as likely benign based on ACMG/AMP sequence variant interpretation guidelines (Richards et al. 2015 PMID: 25741868, with internal and published modifications).